The following is an entry in ClinVar:

ClinVar aggregate classification (germline): Conflicting classifications of pathogenicity. Review status: criteria provided, conflicting classifications (1 of 4 stars). 3 submissions from 3 submitters: Uncertain significance (2); Benign (1). Last evaluated 2025-12-18.

Conditions:
Hypertrophic cardiomyopathy 9. Also called: Familial hypertrophic cardiomyopathy 9. Identifiers: MedGen C1861065, MONDO:0013412, OMIM 613765.
Myopathy, myofibrillar, 9, with early respiratory failure (MFM9). Also called: Hereditary myopathy with early respiratory failure; EDSTROM MYOPATHY; MYOPATHY, PROXIMAL, WITH EARLY RESPIRATORY MUSCLE INVOLVEMENT; Myopathy, distal, with early respiratory failure, autosomal dominant. Identifiers: Orphanet 178464, Orphanet 34521, MedGen C1863599, MONDO:0011362, OMIM 603689.
Tibial muscular dystrophy (TMD). Also called: UDD MYOPATHY; Tibial muscular dystrophy, tardive; Udd Distal Myopathy – Tibial Muscular Dystrophy. Identifiers: Orphanet 609, MedGen C1838244, MONDO:0010870, OMIM 600334.
Dilated cardiomyopathy 1G (CMD1G). Identifiers: Orphanet 154, MedGen C1858763, MONDO:0011400, OMIM 604145.
Autosomal recessive limb-girdle muscular dystrophy type 2J (LGMDR10). Also called: Limb-girdle muscular dystrophy, type 2J; MUSCULAR DYSTROPHY, LIMB-GIRDLE, AUTOSOMAL RECESSIVE 10. Identifiers: Orphanet 140922, MedGen C1837342, MONDO:0012127, OMIM 608807.
Early-onset myopathy with fatal cardiomyopathy (CMYO5). Also called: Salih Myopathy; CONGENITAL MYOPATHY 5 WITH CARDIOMYOPATHY. Identifiers: Orphanet 289377, MedGen C2673677, MONDO:0012714, OMIM 611705. Disease mechanism: loss of function.
Cardiovascular phenotype. Identifiers: MedGen CN230736.

Allele frequency attached by ClinVar (database versions not stated): gnomAD 0.00001; TOPMed 0.00001.
gnomAD v4.1: 4 of 1,613,834 alleles (0.00025%); highest among the groups gnomAD compares: African/African-American, 0.0013%; no homozygotes.

Submissions (3):

Ambry Genetics
Classification: Benign for Cardiovascular phenotype. Last evaluated: 2025-12-18. Review status: criteria provided, single submitter. Criteria: Ambry Variant Classification Scheme 2023. Collection method: clinical testing. Allele origin: germline.

Labcorp Genetics (formerly Invitae), Labcorp
Classification: Uncertain significance for Dilated cardiomyopathy 1G; Autosomal recessive limb-girdle muscular dystrophy type 2J. Last evaluated: 2024-07-16. Review status: criteria provided, single submitter. Criteria: Invitae Variant Classification Sherloc (09022015). Collection method: clinical testing. Allele origin: germline.
Comment: This sequence change replaces glutamic acid, which is acidic and polar, with glutamine, which is neutral and polar, at codon 34688 of the TTN protein (p.Glu34688Gln). This variant is present in population databases (rs775049806, gnomAD 0.0009%). This variant has not been reported in the literature in individuals affected with TTN-related conditions. ClinVar contains an entry for this variant (Variation ID: 1406148). Experimental studies and prediction algorithms are not available or were not evaluated, and the functional significance of this variant is currently unknown. This variant is located in the M band of TTN (PMID: 25589632). Non-truncating variants in this region may be relevant for neuromuscular disorders, but have not been definitively shown to cause cardiomyopathy (PMID: 23975875). In summary, the available evidence is currently insufficient to determine the role of this variant in disease. Therefore, it has been classified as a Variant of Uncertain Significance.

Fulgent Genetics
Classification: Uncertain significance for Tibial muscular dystrophy; Myopathy, myofibrillar, 9, with early respiratory failure; Dilated cardiomyopathy 1G; Autosomal recessive limb-girdle muscular dystrophy type 2J; Early-onset myopathy with fatal cardiomyopathy; Hypertrophic cardiomyopathy 9. Last evaluated: 2021-08-30. Review status: criteria provided, single submitter. Criteria: ACMG Guidelines, 2015. Collection method: clinical testing. Allele origin: unknown.

Literature cited by the submitters: PubMed 25589632 (cited by Labcorp Genetics (formerly Invitae), Labcorp); PubMed 23975875 (cited by Labcorp Genetics (formerly Invitae), Labcorp).

NM_001267550.2(TTN):c.104062G>C (p.Glu34688Gln)

Genes: TTN (titin; minus strand), TTN-AS1 (TTN antisense RNA 1; plus strand). Cytogenetic location: 2q31.2.
Variant type: single nucleotide variant.
Coding change: c.104062G>C on transcript NM_001267550.2 (MANE Select); coding-DNA position 104062, G replaced by C.
Protein change: p.Glu34688Gln; replaces glutamic acid 34688 with glutamine.
Molecular consequence: missense variant.
Genome position (GRCh38, 1-based): chr2:178,532,553, C>G on the plus strand (G>C on the coding strand, the complement: TTN is on the minus strand). VCF-style: chr2-178532553-C-G. GRCh37 (hg19) VCF-style: chr2-179397280-C-G.
Other names: c.99139G>C, p.Glu33047Gln (NM_001256850.1); c.76867G>C, p.Glu25623Gln (NM_003319.4); c.96358G>C, p.Glu32120Gln (NM_133378.4); c.77242G>C, p.Glu25748Gln (NM_133432.3); c.77443G>C, p.Glu25815Gln (NM_133437.4); short protein forms E25748Q, E33047Q, E25623Q, E32120Q, E34688Q, E25815Q.
Identifiers: ClinVar variation 1406148 (VCV001406148.10), dbSNP rs775049806, ClinGen allele CA1985491.